The following is an entry in ClinVar:

NM_001261826.3(AP3D1):c.544C>T (p.Arg182Cys)

Gene: AP3D1 (adaptor related protein complex 3 subunit delta 1; minus strand). Cytogenetic location: 19p13.3.
Variant type: single nucleotide variant.
Coding change: c.544C>T on transcript NM_001261826.3 (MANE Select); coding-DNA position 544, C replaced by T.
Protein change: p.Arg182Cys; replaces arginine 182 with cysteine.
Molecular consequence: missense variant.
Genome position (GRCh38, 1-based): chr19:2,130,456, G>A on the plus strand (C>T on the coding strand, the complement: AP3D1 is on the minus strand). VCF-style: chr19-2130456-G-A. GRCh37 (hg19) VCF-style: chr19-2130455-G-A.
Other names: c.544C>T, p.Arg182Cys (NM_001374799.1, NM_003938.8); short protein forms R182C.
Identifiers: ClinVar variation 2870713 (VCV002870713.3), dbSNP rs777985586, ClinGen allele CA9059683.

ClinVar aggregate classification (germline): Uncertain significance (1 of 4 stars; one submission).

Allele frequency attached by ClinVar (database versions not stated): gnomAD exomes below 0.00001; ExAC 0.00001.
gnomAD v4.1: 1 of 1,614,084 alleles (0.000062%); highest among the groups gnomAD compares: Non-Finnish European, 0.000085%; no homozygotes.

Submission:

Labcorp Genetics (formerly Invitae), Labcorp
Classification: Uncertain significance. Last evaluated: 2023-01-12. Review status: criteria provided, single submitter. Criteria: Invitae Variant Classification Sherloc (09022015). Collection method: clinical testing. Allele origin: germline.
Comment: This variant is present in population databases (rs777985586, gnomAD 0.002%). In summary, the available evidence is currently insufficient to determine the role of this variant in disease. Therefore, it has been classified as a Variant of Uncertain Significance. Algorithms developed to predict the effect of missense changes on protein structure and function (SIFT, PolyPhen-2, Align-GVGD) all suggest that this variant is likely to be disruptive. This variant has not been reported in the literature in individuals affected with AP3D1-related conditions. This sequence change replaces arginine, which is basic and polar, with cysteine, which is neutral and slightly polar, at codon 182 of the AP3D1 protein (p.Arg182Cys).